The following is an entry in ClinVar:

Conditions:
Breast-ovarian cancer, familial, susceptibility to, 1 (BROVCA1). Also called: BRCA1 Hereditary Breast and Ovarian Cancer; OVARIAN CANCER, SUSCEPTIBILITY TO. Identifiers: Orphanet 145, MedGen C2676676, MONDO:0011450, OMIM 604370. Disease mechanism: loss of function.

Submission:

Brotman Baty Institute, University of Washington
No classification provided (evidence only). Condition: Breast-ovarian cancer, familial 1. Review status: no classification provided. Collection method: in vitro. Allele origin: not applicable. Functional consequence: functionally_normal.
ClinVar note: "not provided" was previously submitted as the classification for the variant. However, the classification appeared to be based only on an observation of functional data so it was converted to no classification on 2025-07-30.

NM_007294.4(BRCA1):c.5286G>T (p.Arg1762Ser)

Gene: BRCA1 (BRCA1 DNA repair associated; minus strand). Cytogenetic location: 17q21.31.
Variant type: single nucleotide variant.
Coding change: c.5286G>T on transcript NM_007294.4 (MANE Select); coding-DNA position 5286, G replaced by T.
Protein change: p.Arg1762Ser; replaces arginine 1762 with serine.
Molecular consequence: missense variant. On other transcripts: non-coding transcript variant (1).
Genome position (GRCh38, 1-based): chr17:43,051,109, C>A on the plus strand (G>T on the coding strand, the complement: BRCA1 is on the minus strand). VCF-style: chr17-43051109-C-A. GRCh37 (hg19) VCF-style: chr17-41203126-C-A.
Other names: c.5073G>T, p.Arg1691Ser (NM_001407571.1, NM_001407894.1, NM_001407895.1 and 12 more transcripts); c.5352G>T, p.Arg1784Ser (NM_001407581.1, NM_001407582.1); c.5349G>T, p.Arg1783Ser (NM_001407583.1, NM_001407585.1, NM_001407587.1 and 1 more transcripts); c.5346G>T, p.Arg1782Ser (NM_001407590.1, NM_001407591.1); c.5286G>T, p.Arg1762Ser (NM_001407593.1, NM_001407594.1, NM_001407596.1 and 6 more transcripts); c.5283G>T, p.Arg1761Ser (NM_001407616.1, NM_001407617.1, NM_001407618.1 and 17 more transcripts); c.5280G>T, p.Arg1760Ser (NM_001407635.1, NM_001407636.1, NM_001407637.1 and 14 more transcripts); c.5277G>T, p.Arg1759Ser (NM_001407644.1, NM_001407645.1); and 72 more; short protein forms R1715S, R1783S, R658S, R1762S, R1635S, R1695S, R1718S, R1720S.
Identifiers: ClinVar variation 868286 (VCV000868286.3), dbSNP rs1567760695, ClinGen allele CA10590972.